The following is an entry in ClinVar:

ClinVar aggregate classification (germline): Pathogenic. Review status: criteria provided, multiple submitters, no conflicts (2 of 4 stars). 7 submissions from 7 submitters: Pathogenic (5). 2 of the submissions do not count toward it. Last evaluated 2023-08-16.

Conditions:
ARID1B-Related Disorder. Identifiers: MedGen CN381337.
Coffin-Siris syndrome 1 (CSS1). Also called: Mental retardation, autosomal dominant 12; ARID1B-Related Coffin-Siris Syndrome. Identifiers: Orphanet 1465, MedGen C3281201, MONDO:0007617, OMIM 135900. Disease mechanism: gain of function.

Submissions (7):

3billion
Classification: Pathogenic for Coffin-Siris syndrome 1. Last evaluated: 2023-08-16. Review status: criteria provided, single submitter. Criteria: ACMG Guidelines, 2015. Collection method: clinical testing. Allele origin: germline. Affected: yes.
Comment: The variant is not observed in the gnomAD v2.1.1 dataset. Predicted Consequence/Location: Stop-gained (nonsense): predicted to result in a loss or disruption of normal protein function through protein truncation. Multiple pathogenic variants are reported in the predicted truncated region. The variant has been reported at least twice as pathogenic with clinical assertions and evidence for the classification (ClinVar ID: VCV000210306 /PMID: 23929686). Therefore, this variant is classified as Pathogenic according to the recommendation of ACMG/AMP guideline.

GeneDx
Classification: Pathogenic. Last evaluated: 2022-08-16. Review status: criteria provided, single submitter. Criteria: GeneDx Variant Classification Process June 2021. Collection method: clinical testing. Allele origin: germline. Affected: yes.
Comment: Nonsense variant in the C-terminus predicted to result in protein truncation, as the last 260 amino acids are lost, and other loss-of-function variants have been reported downstream in HGMD; Not observed at significant frequency in large population cohorts (gnomAD); This variant is associated with the following publications: (PMID: 23929686, 24090879, 24866042, 27474218, 30755392)

Genome-Nilou Lab
Classification: Pathogenic for Coffin-Siris syndrome 1. Last evaluated: 2021-07-15. Review status: criteria provided, single submitter. Criteria: ACMG Guidelines, 2015. Collection method: clinical testing. Allele origin: germline. Affected: no.

Center for Personalized Medicine, Children's Hospital Los Angeles
Classification: Pathogenic. Last evaluated: 2018-11-19. Review status: criteria provided, single submitter. Criteria: ACMG Guidelines, 2015. Collection method: clinical testing. Allele origin: germline. Affected: yes.

Genetic Services Laboratory, University of Chicago
Classification: Pathogenic for Mental retardation, autosomal dominant 12. Last evaluated: 2014-10-31. Review status: criteria provided, single submitter. Criteria: ACMG Guidelines, 2015. Collection method: clinical testing. Allele origin: germline. Affected: yes.

PreventionGenetics, part of Exact Sciences
Classification: Pathogenic for ARID1B-related condition. Last evaluated: 2024-03-13. Review status: no assertion criteria provided. Collection method: clinical testing. Allele origin: germline. Not counted in ClinVar's aggregate classification.
Comment: The ARID1B c.5968C>T variant is predicted to result in premature protein termination (p.Arg1990*). This variant has been reported as a recurrent variant in individuals with Coffin-Siris syndrome, and it was confirmed to have occurred de novo in at least two of the reported patients (Santen et al. 2013. PubMed ID: 23929686; Patient #8 in Figure 1, Mignot et al. 2016. PubMed ID: 27474218). This variant has not been reported in a large population database, indicating this variant is rare. Nonsense variants in ARID1B are expected to be pathogenic. This variant is interpreted as pathogenic.

Biochemical Molecular Genetic Laboratory, King Abdulaziz Medical City
Classification: Pathogenic for Coffin-Siris syndrome 1. Last evaluated: 2019-01-29. Review status: no assertion criteria provided. Collection method: clinical testing. Allele origin: germline. Affected: yes. Not counted in ClinVar's aggregate classification.

Literature cited by the submitters: PubMed 23929686 (cited by 3billion).

NM_001374828.1(ARID1B):c.6337C>T (p.Arg2113Ter)

Gene: ARID1B (AT-rich interaction domain 1B; plus strand). Cytogenetic location: 6q25.3.
Variant type: single nucleotide variant.
Coding change: c.6337C>T on transcript NM_001374828.1 (MANE Select); coding-DNA position 6337, C replaced by T.
Protein change: p.Arg2113Ter; replaces arginine 2113 with a stop codon.
Molecular consequence: nonsense.
Genome position (GRCh38, 1-based): chr6:157,207,109, C>T. VCF-style: chr6-157207109-C-T. GRCh37 (hg19) VCF-style: chr6-157528243-C-T.
Other names: c.6088C>T, p.Arg2030Ter (NM_001346813.1); c.5968C>T, p.Arg1990Ter (NM_020732.3); c.3838C>T, p.Arg1280Ter (NM_001363725.2); c.6217C>T, p.Arg2073Ter (NM_001371656.1, NM_001374820.1); c.6178C>T, p.Arg2060Ter (NM_017519.3); short protein forms R1990*, R2030*, R1280*, R2060*, R2073*, R2113*.
Identifiers: ClinVar variation 210306 (VCV000210306.17), dbSNP rs797045283, ClinGen allele CA209106.
Genomic context (GRCh38, chr6:157,207,109, plus strand): 5'-GGCCTGGTGCTGATCCTGGGGAAGCTGATTCTTCTTCACCACGAGCATCCAGAGAGAAAG[C>T]GAGCACCGCAGACCTATGAGAAAGAGGAGGATGAGGACAAGGGGGTGGCCTGCAGCAAAG-3'